The following is an entry in ClinVar:

ClinVar aggregate classification (germline): Uncertain significance (1 of 4 stars; one submission).

Conditions:
Gastrointestinal stromal tumor. Also called: Gastrointestinal stromal tumor, somatic; Gastrointestinal stroma tumor. Identifiers: Orphanet 44890, MedGen C0238198, MeSH D046152, MONDO:0011719, OMIM 606764, HP:0100723.

Submission:

Labcorp Genetics (formerly Invitae), Labcorp
Classification: Uncertain significance for Gastrointestinal stromal tumor. Last evaluated: 2021-08-28. Review status: criteria provided, single submitter. Criteria: Invitae Variant Classification Sherloc (09022015). Collection method: clinical testing. Allele origin: germline.
Comment: This sequence change replaces threonine with isoleucine at codon 16 of the PDGFRA protein (p.Thr16Ile). The threonine residue is weakly conserved and there is a moderate physicochemical difference between threonine and isoleucine. This variant is not present in population databases (ExAC no frequency). This variant has not been reported in the literature in individuals affected with PDGFRA-related conditions. Algorithms developed to predict the effect of missense changes on protein structure and function (SIFT, PolyPhen-2, Align-GVGD) all suggest that this variant is likely to be tolerated. In summary, the available evidence is currently insufficient to determine the role of this variant in disease. Therefore, it has been classified as a Variant of Uncertain Significance.

NM_006206.6(PDGFRA):c.47C>T (p.Thr16Ile)

Gene: PDGFRA (platelet derived growth factor receptor alpha; plus strand). Cytogenetic location: 4q12.
Variant type: single nucleotide variant.
Coding change: c.47C>T on transcript NM_006206.6 (MANE Select); coding-DNA position 47, C replaced by T.
Protein change: p.Thr16Ile; replaces threonine 16 with isoleucine.
Molecular consequence: missense variant.
Genome position (GRCh38, 1-based): chr4:54,258,815, C>T. VCF-style: chr4-54258815-C-T. GRCh37 (hg19) VCF-style: chr4-55124982-C-T.
Other names: c.47C>T, p.Thr16Ile (NM_001347827.2, NM_001347829.2); c.122C>T, p.Thr41Ile (NM_001347828.2); c.86C>T, p.Thr29Ile (NM_001347830.2); short protein forms T16I, T29I, T41I.
Identifiers: ClinVar variation 945601 (VCV000945601.7), dbSNP rs1722521033, ClinGen allele CA356888125.